The following is an entry in ClinVar:

NM_000051.4(ATM):c.8041G>C (p.Val2681Leu)

Genes: ATM (ATM serine/threonine kinase; plus strand), C11orf65 (chromosome 11 open reading frame 65; minus strand). Cytogenetic location: 11q22.3.
Variant type: single nucleotide variant.
Coding change: c.8041G>C on transcript NM_000051.4 (MANE Select); coding-DNA position 8041, G replaced by C.
Protein change: p.Val2681Leu; replaces valine 2681 with leucine.
Molecular consequence: missense variant. On other transcripts: intron variant (2).
Genome position (GRCh38, 1-based): chr11:108,334,999, G>C. VCF-style: chr11-108334999-G-C. GRCh37 (hg19) VCF-style: chr11-108205726-G-C.
Other names: c.8041G>C, p.Val2681Leu (NM_001351834.2); c.641-25928C>G (NM_001330368.2); c.*38+221C>G (NM_001351110.2); short protein forms V2681L.
Identifiers: ClinVar variation 631256 (VCV000631256.15), dbSNP rs1064795034, ClinGen allele CA382561898.

ClinVar aggregate classification (germline): Uncertain significance. Review status: criteria provided, multiple submitters, no conflicts (2 of 4 stars). 4 submissions from 4 submitters: Uncertain significance (4). Last evaluated 2026-01-25.

Conditions:
Hereditary cancer-predisposing syndrome. Also called: Tumor predisposition; Hereditary neoplastic syndrome; Neoplastic Syndromes, Hereditary; Hereditary Cancer Syndrome. Identifiers: Orphanet 140162, MedGen C0027672, MeSH D009386, MONDO:0015356.
Ataxia-telangiectasia syndrome (AT). Also called: Ataxia-telangiectasia, complementation group D; AT, COMPLEMENTATION GROUP C; ATAXIA-TELANGIECTASIA, COMPLEMENTATION GROUP A; ATAXIA-TELANGIECTASIA, FRESNO VARIANT; Ataxia-telangiectasia; LOUIS-BAR SYNDROME. Identifiers: Orphanet 100, MedGen C0004135, MONDO:0008840, OMIM 208900.

Allele frequency attached by ClinVar (database versions not stated): gnomAD exomes below 0.00001.
gnomAD v4.1: 4 of 1,613,362 alleles (0.00025%); highest among the groups gnomAD compares: Admixed American, 0.0017%; no homozygotes.

Submissions (4):

Labcorp Genetics (formerly Invitae), Labcorp
Classification: Uncertain significance for Ataxia-telangiectasia syndrome. Last evaluated: 2026-01-25. Review status: criteria provided, single submitter. Criteria: Invitae Variant Classification Sherloc (09022015). Collection method: clinical testing. Allele origin: germline.
Comment: This sequence change replaces valine, which is neutral and non-polar, with leucine, which is neutral and non-polar, at codon 2681 of the ATM protein (p.Val2681Leu). This variant is present in population databases (no rsID available, gnomAD 0.003%). This variant has not been reported in the literature in individuals affected with ATM-related conditions. ClinVar contains an entry for this variant (Variation ID: 631256). Invitae Evidence Modeling of protein sequence and biophysical properties (such as structural, functional, and spatial information, amino acid conservation, physicochemical variation, residue mobility, and thermodynamic stability) has been performed for this missense variant. However, the output from this modeling did not meet the statistical confidence thresholds required to predict the impact of this variant on ATM protein function. In summary, the available evidence is currently insufficient to determine the role of this variant in disease. Therefore, it has been classified as a Variant of Uncertain Significance.

Ambry Genetics
Classification: Uncertain significance for Hereditary cancer-predisposing syndrome. Last evaluated: 2024-04-06. Review status: criteria provided, single submitter. Criteria: Ambry Variant Classification Scheme 2023. Collection method: clinical testing. Allele origin: germline.
Comment: The p.V2681L variant (also known as c.8041G>C), located in coding exon 54 of the ATM gene, results from a G to C substitution at nucleotide position 8041. The valine at codon 2681 is replaced by leucine, an amino acid with highly similar properties. This amino acid position is conserved. In addition, this alteration is predicted to be deleterious by in silico analysis. Since supporting evidence is limited at this time, the clinical significance of this alteration remains unclear.

Color Diagnostics, LLC DBA Color Health
Classification: Uncertain significance for Hereditary cancer-predisposing syndrome. Last evaluated: 2023-12-07. Review status: criteria provided, single submitter. Criteria: ACMG Guidelines, 2015. Collection method: clinical testing. Allele origin: germline.
Comment: This missense variant replaces valine with leucine at codon 2681 of the ATM protein. Computational prediction is inconclusive regarding the impact of this variant on protein structure and function. To our knowledge, functional studies have not been reported for this variant. This variant has not been reported in individuals affected with ATM-related disorders in the literature. This variant has been identified in 1/251244 chromosomes in the general population by the Genome Aggregation Database (gnomAD). The available evidence is insufficient to determine the role of this variant in disease conclusively. Therefore, this variant is classified as a Variant of Uncertain Significance.

GeneDx
Classification: Uncertain significance. Last evaluated: 2021-05-13. Review status: criteria provided, single submitter. Criteria: GeneDx Variant Classification Process June 2021. Collection method: clinical testing. Allele origin: germline. Affected: yes.
Comment: Not observed at a significant frequency in large population cohorts (Lek et al., 2016); In silico analysis supports that this missense variant does not alter protein structure/function; Has not been previously published as pathogenic or benign to our knowledge